The following is an entry in ClinVar:

NM_000138.5(FBN1):c.1005C>G (p.Tyr335Ter)

Genes: FBN1 (fibrillin 1; minus strand), LOC113939944 (Sharpr-MPRA regulatory region 9539; plus strand). Cytogenetic location: 15q21.1.
Variant type: single nucleotide variant.
Coding change: c.1005C>G on transcript NM_000138.5 (MANE Select); coding-DNA position 1005, C replaced by G.
Protein change: p.Tyr335Ter; replaces tyrosine 335 with a stop codon.
Molecular consequence: nonsense.
Genome position (GRCh38, 1-based): chr15:48,520,801, G>C on the plus strand (C>G on the coding strand, the complement: FBN1 is on the minus strand). VCF-style: chr15-48520801-G-C. GRCh37 (hg19) VCF-style: chr15-48812998-G-C.
Other names: c.1005C>G, p.Tyr335Ter (NM_001406716.1); short protein forms Y335*.
Identifiers: ClinVar variation 4825422 (VCV004825422.1).
Genomic context (GRCh38, chr15:48,520,801, plus strand): 5'-TTTGGTTATGGACTGTGGCAGCTGGTTAGAGCAGCGCCCGTTTGTCAGAGCTGTGTAACA[G>C]TATCCTGGGCGAACATCTGAGGACAAAGAAACACATACACACACACACATCGCTGAGATA-3'

ClinVar aggregate classification (germline): Pathogenic (1 of 4 stars; one submission).

Conditions:
Familial thoracic aortic aneurysm and aortic dissection (TAAD). Also called: Thoracic aortic aneurysms and dissections. Identifiers: Orphanet 91387, MedGen C4707243, MONDO:0019625.

Submission:

Ambry Genetics
Classification: Pathogenic for Familial thoracic aortic aneurysm and aortic dissection. Last evaluated: 2026-02-10. Review status: criteria provided, single submitter. Criteria: Ambry Variant Classification Scheme 2023. Collection method: clinical testing. Allele origin: germline.
Comment: The p.Y335* variant (also known as c.1005C>G), located in coding exon 9 of the FBN1 gene, results from a C to G substitution at nucleotide position 1005. This changes the amino acid from a tyrosine to a stop codon within coding exon 9. This variant is considered to be rare based on population cohorts in the Genome Aggregation Database (gnomAD). This alteration is expected to result in loss of function by premature protein truncation or nonsense-mediated mRNA decay. As such, this alteration is interpreted as a disease-causing mutation.